The following is an entry in ClinVar:

ClinVar aggregate classification (germline): Likely benign. Review status: criteria provided, multiple submitters, no conflicts (2 of 4 stars). 5 submissions from 5 submitters: Likely benign (4). 1 of the submissions does not count toward it. Last evaluated 2026-02-04.

Conditions:
SRP72-related disorder. Also called: SRP72-related condition.

Allele frequency attached by ClinVar (database versions not stated): ExAC 0.00006; gnomAD exomes 0.00006; ESP Exome Variant Server 0.00008; TOPMed 0.00016; gnomAD 0.00019; 1000 Genomes Project 30x 0.00031; 1000 Genomes Project 0.00040.
gnomAD v4.1: 73 of 1,614,136 alleles (0.0045%); highest among the groups gnomAD compares: African/African-American, 0.059%; no homozygotes.

Submissions (5):

Labcorp Genetics (formerly Invitae), Labcorp
Classification: Likely benign. Last evaluated: 2026-02-04. Review status: criteria provided, single submitter. Criteria: Invitae Variant Classification Sherloc (09022015). Collection method: clinical testing. Allele origin: germline.

Ambry Genetics
Classification: Likely benign. Last evaluated: 2024-11-20. Review status: criteria provided, single submitter. Criteria: Ambry Variant Classification Scheme 2023. Collection method: clinical testing. Allele origin: germline.

Blueprint Genetics
Classification: Likely benign. Last evaluated: 2024-10-24. Review status: criteria provided, single submitter. Criteria: ACMG Guidelines, 2015. Collection method: clinical testing. Allele origin: germline.

Genetic Services Laboratory, University of Chicago
Classification: Likely benign. Last evaluated: 2019-11-11. Review status: criteria provided, single submitter. Criteria: ACMG Guidelines, 2015. Collection method: clinical testing. Allele origin: germline. Affected: no.

PreventionGenetics, part of Exact Sciences
Classification: Likely benign for SRP72-related condition. Last evaluated: 2019-08-08. Review status: no assertion criteria provided. Collection method: clinical testing. Allele origin: germline. Not counted in ClinVar's aggregate classification.
Comment: This variant is classified as likely benign based on ACMG/AMP sequence variant interpretation guidelines (Richards et al. 2015 PMID: 25741868, with internal and published modifications).

NM_006947.4(SRP72):c.1005C>T (p.Pro335=)

Gene: SRP72 (signal recognition particle 72; plus strand). Cytogenetic location: 4q12.
Variant type: single nucleotide variant.
Coding change: c.1005C>T on transcript NM_006947.4 (MANE Select); coding-DNA position 1005, C replaced by T.
Protein change: p.Pro335=; no amino-acid change (proline 335 retained).
Molecular consequence: synonymous variant. On other transcripts: non-coding transcript variant (1).
Genome position (GRCh38, 1-based): chr4:56,484,783, C>T. VCF-style: chr4-56484783-C-T. GRCh37 (hg19) VCF-style: chr4-57350949-C-T.
Other names: c.822C>T, p.Pro274= (NM_001267722.2).
Identifiers: ClinVar variation 1337444 (VCV001337444.17), dbSNP rs201570324, ClinGen allele CA2931252.